The following is an entry in ClinVar:

NC_000003.11:g.(?_129159174)_(129214470_?)del

Gene: IFT122 (intraflagellar transport 122; plus strand). Cytogenetic location: 3q21.3-22.1.
Variant type: Deletion.
Identifiers: ClinVar variation 1456968 (VCV001456968.4).

ClinVar aggregate classification (germline): Pathogenic (1 of 4 stars; one submission).

Conditions:
Cranioectodermal dysplasia 1 (CED1). Also called: LEVIN SYNDROME I. Identifiers: Orphanet 1515, MedGen C0432235, MONDO:0021093, OMIM 218330.

Submission:

Labcorp Genetics (formerly Invitae), Labcorp
Classification: Pathogenic for Cranioectodermal dysplasia 1. Last evaluated: 2021-09-15. Review status: criteria provided, single submitter. Criteria: Invitae Variant Classification Sherloc (09022015). Collection method: clinical testing. Allele origin: germline.
Comment: For these reasons, this variant has been classified as Pathogenic. This variant has not been reported in the literature in individuals affected with IFT122-related conditions. This variant is a gross deletion of the genomic region encompassing exon(s) 1-19 of the IFT122 gene, which includes the initiator codon. This deletion extends beyond the assayed region for this gene and therefore may encompass additional genes. It is expected to result in an absent or disrupted protein product. Loss-of-function variants in IFT122 are known to be pathogenic (PMID: 20493458, 23826986, 26792575).

Literature cited by the submitters: PubMed 20493458; PubMed 23826986; PubMed 26792575.